The following is an entry in ClinVar:

ClinVar aggregate classification (germline): Likely benign. Review status: criteria provided, multiple submitters, no conflicts (2 of 4 stars). 6 submissions from 6 submitters: Likely benign (2). 4 of the submissions do not count toward it. Last evaluated 2025-09-29.

Conditions:
Dilated cardiomyopathy 1W (CMD1W). Identifiers: Orphanet 154, MedGen C1969639, MONDO:0012667, OMIM 611407.

gnomAD v4.1: 5 of 1,614,058 alleles (0.00031%); highest among the groups gnomAD compares: Non-Finnish European, 0.00042%; no homozygotes.

Submissions (6):

Mayo Clinic Laboratories, Mayo Clinic
Classification: Likely benign. Last evaluated: 2025-09-29. Review status: criteria provided, single submitter. Criteria: ACMG Guidelines, 2015. Collection method: clinical testing. Allele origin: germline. Observed: 1 variant allele.
Comment: BP4, BP7, PM2_supporting

Labcorp Genetics (formerly Invitae), Labcorp
Classification: Likely benign for Dilated cardiomyopathy 1W. Last evaluated: 2023-10-28. Review status: criteria provided, single submitter. Criteria: Invitae Variant Classification Sherloc (09022015). Collection method: clinical testing. Allele origin: germline.

Clinical Genetics, Academic Medical Center
Classification: Benign. Review status: no assertion criteria provided. Collection method: clinical testing. Allele origin: germline. Affected: yes. Study: VKGL Data-share Consensus. Not counted in ClinVar's aggregate classification.

Diagnostic Laboratory, Department of Genetics, University Medical Center Groningen
Classification: Likely benign. Review status: no assertion criteria provided. Collection method: clinical testing. Allele origin: germline. Affected: yes. Study: VKGL Data-share Consensus. Not counted in ClinVar's aggregate classification.

Genome Diagnostics Laboratory, University Medical Center Utrecht
Classification: Likely benign. Review status: no assertion criteria provided. Collection method: clinical testing. Allele origin: germline. Affected: yes. Study: VKGL Data-share Consensus. Not counted in ClinVar's aggregate classification.

Joint Genome Diagnostic Labs from Nijmegen and Maastricht, Radboudumc and MUMC+
Classification: Likely benign. Review status: no assertion criteria provided. Collection method: clinical testing. Allele origin: germline. Affected: yes. Study: VKGL Data-share Consensus. Not counted in ClinVar's aggregate classification.

NM_014000.3(VCL):c.1294C>T (p.Leu432=)

Gene: VCL (vinculin; plus strand). Cytogenetic location: 10q22.2.
Variant type: single nucleotide variant.
Coding change: c.1294C>T on transcript NM_014000.3 (MANE Select); coding-DNA position 1294, C replaced by T.
Protein change: p.Leu432=; no amino-acid change (leucine 432 retained).
Molecular consequence: synonymous variant.
Genome position (GRCh38, 1-based): chr10:74,090,140, C>T. VCF-style: chr10-74090140-C-T. GRCh37 (hg19) VCF-style: chr10-75849898-C-T.
Other names: p.Leu432=; c.1294C>T, p.Leu432= (NM_003373.4); c.1294C>T (NM_014000.2).
Identifiers: ClinVar variation 1175110 (VCV001175110.11), dbSNP rs144146254, ClinGen allele CA209700877.